The following is an entry in ClinVar:

NM_006907.4(PYCR1):c.433G>A (p.Asp145Asn)

Gene: PYCR1 (pyrroline-5-carboxylate reductase 1; minus strand). Cytogenetic location: 17q25.3.
Variant type: single nucleotide variant.
Coding change: c.433G>A on transcript NM_006907.4 (MANE Select); coding-DNA position 433, G replaced by A.
Protein change: p.Asp145Asn; replaces aspartic acid 145 with asparagine.
Molecular consequence: missense variant.
Genome position (GRCh38, 1-based): chr17:81,935,033, C>T on the plus strand (G>A on the coding strand, the complement: PYCR1 is on the minus strand). VCF-style: chr17-81935033-C-T. GRCh37 (hg19) VCF-style: chr17-79892909-C-T.
Other names: c.433G>A, p.Asp145Asn (NM_001282279.2, NM_001282280.2, NM_001330523.2 and 1 more transcripts); c.514G>A, p.Asp172Asn (NM_001282281.2); c.433G>A (NM_006907.3); short protein forms D172N, D145N.
Identifiers: ClinVar variation 2076118 (VCV002076118.4), dbSNP rs200446376, ClinGen allele CA8845445.

ClinVar aggregate classification (germline): Uncertain significance. Review status: criteria provided, multiple submitters, no conflicts (2 of 4 stars). 3 submissions from 3 submitters: Uncertain significance (2). 1 of the submissions does not count toward it. Last evaluated 2024-11-01.

Conditions:
PYCR1-related disorder. Also called: PYCR1-related condition.

Allele frequency attached by ClinVar (database versions not stated): gnomAD 0.00006; TOPMed 0.00008; ExAC 0.00014; ESP Exome Variant Server 0.00015.
gnomAD v4.1: 129 of 1,610,504 alleles (0.008%); highest among the groups gnomAD compares: Non-Finnish European, 0.0069%; no homozygotes.

Submissions (3):

Blueprint Genetics
Classification: Uncertain significance. Last evaluated: 2024-11-01. Review status: criteria provided, single submitter. Criteria: ACMG Guidelines, 2015. Collection method: clinical testing. Allele origin: germline.

Labcorp Genetics (formerly Invitae), Labcorp
Classification: Uncertain significance. Last evaluated: 2022-09-01. Review status: criteria provided, single submitter. Criteria: Invitae Variant Classification Sherloc (09022015). Collection method: clinical testing. Allele origin: germline.
Comment: This sequence change replaces aspartic acid, which is acidic and polar, with asparagine, which is neutral and polar, at codon 145 of the PYCR1 protein (p.Asp145Asn). This variant is present in population databases (rs200446376, gnomAD 0.1%). This variant has not been reported in the literature in individuals affected with PYCR1-related conditions. Algorithms developed to predict the effect of missense changes on protein structure and function are either unavailable or do not agree on the potential impact of this missense change (SIFT: "Deleterious"; PolyPhen-2: "Probably Damaging"; Align-GVGD: "Class C0"). In summary, the available evidence is currently insufficient to determine the role of this variant in disease. Therefore, it has been classified as a Variant of Uncertain Significance.

PreventionGenetics, part of Exact Sciences
Classification: Uncertain significance for PYCR1-related condition. Last evaluated: 2023-12-13. Review status: no assertion criteria provided. Collection method: clinical testing. Allele origin: germline. Not counted in ClinVar's aggregate classification.
Comment: The PYCR1 c.433G>A variant is predicted to result in the amino acid substitution p.Asp145Asn. To our knowledge, this variant has not been reported in the literature. This variant is reported in 0.12% of alleles in individuals of Ashkenazi Jewish descent in gnomAD. Although we suspect that this variant may be benign, at this time, the clinical significance of this variant is uncertain due to the absence of conclusive functional and genetic evidence.